The following is an entry in ClinVar:

NM_003285.3(TNR):c.1593C>T (p.Val531=)

Gene: TNR (tenascin R; minus strand). Cytogenetic location: 1q25.1.
Variant type: single nucleotide variant.
Coding change: c.1593C>T on transcript NM_003285.3 (MANE Select); coding-DNA position 1593, C replaced by T.
Protein change: p.Val531=; no amino-acid change (valine 531 retained).
Molecular consequence: synonymous variant.
Genome position (GRCh38, 1-based): chr1:175,386,216, G>A on the plus strand (C>T on the coding strand, the complement: TNR is on the minus strand). VCF-style: chr1-175386216-G-A. GRCh37 (hg19) VCF-style: chr1-175355352-G-A.
Other names: c.594C>T, p.Val198= (NM_001328635.2).
Identifiers: ClinVar variation 2639575 (VCV002639575.24), dbSNP rs375626142, ClinGen allele CA1255895.

ClinVar aggregate classification (germline): Likely benign (1 of 4 stars; one submission).

Allele frequency attached by ClinVar (database versions not stated): ExAC 0.00024; gnomAD exomes 0.00027; TOPMed 0.00027; ESP Exome Variant Server 0.00031; gnomAD 0.00037.
gnomAD v4.1: 448 of 1,610,668 alleles (0.028%); highest among the groups gnomAD compares: Non-Finnish European, 0.031%; 2 homozygotes.

Submission:

CeGaT Center for Human Genetics Tuebingen
Classification: Likely benign. Last evaluated: 2022-10-01. Review status: criteria provided, single submitter. Criteria: CeGaT Center For Human Genetics Tuebingen Variant Classification Criteria Version 2. Collection method: clinical testing. Allele origin: germline. Affected: yes. Observed: 2 variant alleles.
Comment: TNR: BP4, BP7